The following is an entry in ClinVar:

NM_001384732.1(CPLANE1):c.1602G>A (p.Val534=)

Gene: CPLANE1 (ciliogenesis and planar polarity effector complex subunit 1; minus strand). Cytogenetic location: 5p13.2.
Variant type: single nucleotide variant.
Coding change: c.1602G>A on transcript NM_001384732.1 (MANE Select); coding-DNA position 1602, G replaced by A.
Protein change: p.Val534=; no amino-acid change (valine 534 retained).
Molecular consequence: synonymous variant.
Genome position (GRCh38, 1-based): chr5:37,226,993, C>T on the plus strand (G>A on the coding strand, the complement: CPLANE1 is on the minus strand). VCF-style: chr5-37226993-C-T. GRCh37 (hg19) VCF-style: chr5-37227095-C-T.
Other names: c.1602G>A, p.Val534= (NM_023073.4).
Identifiers: ClinVar variation 385364 (VCV000385364.1), dbSNP rs751572533, ClinGen allele CA16604805.

ClinVar aggregate classification (germline): Likely benign (1 of 4 stars; one submission).

Allele frequency attached by ClinVar (database versions not stated): gnomAD exomes 0.00001 and 0.00003; TOPMed 0.00001.
gnomAD v4.1: 37 of 1,551,402 alleles (0.0024%); highest among the groups gnomAD compares: Non-Finnish European, 0.0031%; no homozygotes.

Submission:

GeneDx
Classification: Likely benign. Last evaluated: 2016-04-12. Review status: criteria provided, single submitter. Criteria: GeneDx Variant Classification (06012015). Collection method: clinical testing. Allele origin: germline. Affected: yes.
Comment: This variant is considered likely benign or benign based on one or more of the following criteria: it is a conservative change, it occurs at a poorly conserved position in the protein, it is predicted to be benign by multiple in silico algorithms, and/or has population frequency not consistent with disease.